The following is an entry in ClinVar:

NM_004360.5(CDH1):c.2026G>A (p.Asp676Asn)

Gene: CDH1 (cadherin 1; plus strand). Cytogenetic location: 16q22.1.
Variant type: single nucleotide variant.
Coding change: c.2026G>A on transcript NM_004360.5 (MANE Select); coding-DNA position 2026, G replaced by A.
Protein change: p.Asp676Asn; replaces aspartic acid 676 with asparagine.
Molecular consequence: missense variant.
Genome position (GRCh38, 1-based): chr16:68,823,488, G>A. VCF-style: chr16-68823488-G-A. GRCh37 (hg19) VCF-style: chr16-68857391-G-A.
Other names: p.D676N:GAC>AAC; c.2026G>A (LRG_301t1); c.1843G>A, p.Asp615Asn (NM_001317184.2); c.478G>A, p.Asp160Asn (NM_001317185.2); c.61G>A, p.Asp21Asn (NM_001317186.2); short protein forms D676N, D21N, D160N, D615N.
Identifiers: ClinVar variation 182402 (VCV000182402.27), dbSNP rs115408226, ClinGen allele CA299004.

ClinVar aggregate classification (germline): Conflicting classifications of pathogenicity. Review status: criteria provided, conflicting classifications (1 of 4 stars). 9 submissions from 9 submitters: Uncertain significance (6); Likely benign (2). 1 of the submissions does not count toward it. Last evaluated 2026-01-19.

Conditions:
Hereditary cancer-predisposing syndrome. Also called: Tumor predisposition; Hereditary Cancer Syndrome; Hereditary neoplastic syndrome; Neoplastic Syndromes, Hereditary. Identifiers: Orphanet 140162, MedGen C0027672, MeSH D009386, MONDO:0015356.
Hereditary diffuse gastric adenocarcinoma (HDGC). Also called: DIFFUSE GASTRIC AND LOBULAR BREAST CANCER SYNDROME. Identifiers: Orphanet 26106, MedGen C1708349, MONDO:0007648, OMIM 137215.
Familial cancer of breast. Also called: BREAST CANCER, FAMILIAL; hereditary breast carcinoma; Hereditary breast cancer. Identifiers: Orphanet 227535, MedGen C0346153, MONDO:0016419, OMIM 114480. Disease mechanism: loss of function.

Allele frequency attached by ClinVar (database versions not stated): gnomAD 0.00001; gnomAD exomes 0.00002; TOPMed 0.00002; 1000 Genomes Project 30x 0.00031.
gnomAD v4.1: 32 of 1,614,044 alleles (0.002%); highest among the groups gnomAD compares: Non-Finnish European, 0.0026%; no homozygotes.

Submissions (9):

Labcorp Genetics (formerly Invitae), Labcorp
Classification: Likely benign for Hereditary diffuse gastric adenocarcinoma. Last evaluated: 2026-01-19. Review status: criteria provided, single submitter. Criteria: Invitae Variant Classification Sherloc (09022015). Collection method: clinical testing. Allele origin: germline.

Color Diagnostics, LLC DBA Color Health
Classification: Uncertain significance for Hereditary cancer-predisposing syndrome. Last evaluated: 2024-06-18. Review status: criteria provided, single submitter. Criteria: ACMG Guidelines, 2015. Collection method: clinical testing. Allele origin: germline.
Comment: This missense variant replaces aspartic acid with asparagine at codon 676 of the CDH1 protein. To our knowledge, functional studies have not been reported for this variant. This variant has been reported in individuals affected with breast cancer (PMID: 25186627) or who have a family history of breast cancer (PMID: PMID: 36436516). This variant has been identified in 6/282868 chromosomes in the general population by the Genome Aggregation Database (gnomAD). The available evidence is insufficient to determine the role of this variant in disease conclusively. Therefore, this variant is classified as a Variant of Uncertain Significance.

Baylor Genetics
Classification: Uncertain significance for Familial cancer of breast. Last evaluated: 2024-01-15. Review status: criteria provided, single submitter. Criteria: ACMG Guidelines, 2015. Collection method: clinical testing. Allele origin: unknown.

Myriad Genetics, Inc.
Classification: Uncertain significance for Hereditary diffuse gastric adenocarcinoma. Last evaluated: 2023-03-06. Review status: criteria provided, single submitter. Criteria: Myriad Autosomal Dominant, Autosomal Recessive and X-Linked Classification Criteria (2023). Collection method: clinical testing. Allele origin: unknown.
Comment: This variant is classified as a variant of uncertain significance as there is insufficient evidence to determine its impact on protein function and/or cancer risk.

European Reference Network on Genetic Tumour Risk Syndromes (ERN-GENTURIS), i3s - Instituto de Investigação e Inovação em Saúde, University of Porto
Classification: Uncertain significance for Hereditary diffuse gastric adenocarcinoma. Last evaluated: 2022-08-01. Review status: criteria provided, single submitter. Criteria: Lee et al. (Hum Mutat. 2018). Collection method: clinical testing. Allele origin: germline. Inheritance: Autosomal dominant inheritance. Affected: no. Study: ERN GENTURIS.
Comment: Not applicable criteria (PMID: 30311375)

Ambry Genetics
Classification: Likely benign for Hereditary cancer-predisposing syndrome. Last evaluated: 2021-11-15. Review status: criteria provided, single submitter. Criteria: Ambry Variant Classification Scheme 2023. Collection method: clinical testing. Allele origin: germline.

GeneDx
Classification: Uncertain significance. Last evaluated: 2020-10-16. Review status: criteria provided, single submitter. Criteria: GeneDx Variant Classification Process June 2021. Collection method: clinical testing. Allele origin: germline. Affected: yes.
Comment: Not observed at a significant frequency in large population cohorts (Lek 2016); In silico analysis supports that this missense variant does not alter protein structure/function; Has not been previously published as a pathogenic or benign germline variant to our knowledge; This variant is associated with the following publications: (PMID: 29156750)

Quest Diagnostics Nichols Institute San Juan Capistrano
Classification: Uncertain significance. Last evaluated: 2018-07-31. Review status: criteria provided, single submitter. Criteria: Quest Diagnostics criteria. Collection method: clinical testing. Allele origin: germline.

Counsyl
Classification: Uncertain significance for Hereditary diffuse gastric adenocarcinoma. Last evaluated: 2017-12-05. Review status: no assertion criteria provided. Collection method: clinical testing. Allele origin: unknown. Not counted in ClinVar's aggregate classification.

Literature cited by the submitters: PubMed 25186627 (cited by 3 submitters); PubMed 36436516 (cited by Color Diagnostics, LLC DBA Color Health and European Reference Network on Genetic Tumour Risk Syndromes (ERN-GENTURIS), i3s - Instituto de Investigação e Inovação em Saúde, University of Porto).